The following is an entry in ClinVar:

ClinVar aggregate classification (germline): Conflicting classifications of pathogenicity. Review status: criteria provided, conflicting classifications (1 of 4 stars). 2 submissions from 2 submitters: Uncertain significance (1); Benign (1). Last evaluated 2025-11-09.

Conditions:
Hereditary cancer-predisposing syndrome. Also called: Neoplastic Syndromes, Hereditary; Hereditary Cancer Syndrome; Hereditary neoplastic syndrome; Tumor predisposition. Identifiers: Orphanet 140162, MedGen C0027672, MeSH D009386, MONDO:0015356.
Gorlin syndrome. Also called: Nevoid Basal Cell Carcinoma Syndrome; Basal cell nevus syndrome. Identifiers: Orphanet 377, MedGen C0004779, MONDO:0007187.

Allele frequency attached by ClinVar (database versions not stated): gnomAD exomes below 0.00001 and 0.00001.

Submissions (2):

Labcorp Genetics (formerly Invitae), Labcorp
Classification: Benign for Gorlin syndrome. Last evaluated: 2025-11-09. Review status: criteria provided, single submitter. Criteria: Invitae Variant Classification Sherloc (09022015). Collection method: clinical testing. Allele origin: germline.

Ambry Genetics
Classification: Uncertain significance for Hereditary cancer-predisposing syndrome. Last evaluated: 2024-07-15. Review status: criteria provided, single submitter. Criteria: Ambry Variant Classification Scheme 2023. Collection method: clinical testing. Allele origin: germline.
Comment: The p.T172A variant (also known as c.514A>G), located in coding exon 3 of the PTCH1 gene, results from an A to G substitution at nucleotide position 514. The threonine at codon 172 is replaced by alanine, an amino acid with similar properties. This amino acid position is not well conserved in available vertebrate species, and alanine is the reference amino acid in other vertebrate species. In addition, this alteration is predicted to be tolerated by in silico analysis. Since supporting evidence is limited at this time, the clinical significance of this alteration remains unclear.

NM_000264.5(PTCH1):c.514A>G (p.Thr172Ala)

Gene: PTCH1 (patched 1; minus strand). Cytogenetic location: 9q22.32.
Variant type: single nucleotide variant.
Coding change: c.514A>G on transcript NM_000264.5 (MANE Select); coding-DNA position 514, A replaced by G.
Protein change: p.Thr172Ala; replaces threonine 172 with alanine.
Molecular consequence: missense variant. On other transcripts: non-coding transcript variant (1).
Genome position (GRCh38, 1-based): chr9:95,485,755, T>C on the plus strand (A>G on the coding strand, the complement: PTCH1 is on the minus strand). VCF-style: chr9-95485755-T-C. GRCh37 (hg19) VCF-style: chr9-98248037-T-C.
Other names: c.316A>G, p.Thr106Ala (NM_001083602.3, NM_001354919.2); c.511A>G, p.Thr171Ala (NM_001083603.3); c.61A>G, p.Thr21Ala (NM_001083604.3, NM_001083605.3, NM_001083606.3 and 1 more transcripts); c.514A>G, p.Thr172Ala (NM_001354918.2); short protein forms T172A, T21A, T106A, T171A.
Identifiers: ClinVar variation 825478 (VCV000825478.14), dbSNP rs1244945859, ClinGen allele CA374116848.